The following is an entry in ClinVar:

NM_001048174.2(MUTYH):c.44A>T (p.Gln15Leu)

Gene: MUTYH (mutY DNA glycosylase; minus strand). Cytogenetic location: 1p34.1.
Variant type: single nucleotide variant.
Coding change: c.44A>T on transcript NM_001048174.2 (MANE Select); coding-DNA position 44, A replaced by T.
Protein change: p.Gln15Leu; replaces glutamine 15 with leucine.
Molecular consequence: missense variant. On other transcripts: 5 prime UTR variant (7), non-coding transcript variant (7).
Genome position (GRCh38, 1-based): chr1:45,334,462, T>A on the plus strand (A>T on the coding strand, the complement: MUTYH is on the minus strand). VCF-style: chr1-45334462-T-A. GRCh37 (hg19) VCF-style: chr1-45800134-T-A.
Other names: c.86A>T, p.Gln29Leu (NM_001407073.1, NM_012222.3, NM_001128425.2 and 2 more transcripts); c.-113A>T (NM_001407075.1); c.44A>T, p.Gln15Leu (NM_001407077.1, NM_001407078.1, NM_001407079.1 and 15 more transcripts); c.-164A>T (NM_001407082.1, NM_001350651.2); c.-169A>T (NM_001407091.1, NM_001293192.2, NM_001293196.2); c.62A>T, p.Gln21Leu (NM_001407087.1); c.-228A>T (NM_001350650.2); short protein forms Q15L, Q21L, Q29L.
Identifiers: ClinVar variation 4113871 (VCV004113871.1).

ClinVar aggregate classification (germline): Uncertain significance (1 of 4 stars; one submission).

Conditions:
Hereditary cancer-predisposing syndrome. Also called: Hereditary neoplastic syndrome; Neoplastic Syndromes, Hereditary; Tumor predisposition; Hereditary Cancer Syndrome. Identifiers: Orphanet 140162, MedGen C0027672, MeSH D009386, MONDO:0015356.

Submission:

Ambry Genetics
Classification: Uncertain significance for Hereditary cancer-predisposing syndrome. Last evaluated: 2025-08-27. Review status: criteria provided, single submitter. Criteria: Ambry Variant Classification Scheme 2023. Collection method: clinical testing. Allele origin: germline.
Comment: The p.Q29L variant (also known as c.86A>T), located in coding exon 2 of the MUTYH gene, results from an A to T substitution at nucleotide position 86. The glutamine at codon 29 is replaced by leucine, an amino acid with dissimilar properties. This amino acid position is conserved. In addition, this alteration is predicted to be tolerated by in silico analysis. Based on the available evidence, the clinical significance of this variant remains unclear.